The following is an entry in ClinVar:

ClinVar aggregate classification (germline): Conflicting classifications of pathogenicity. Review status: criteria provided, conflicting classifications (1 of 4 stars). 6 submissions from 6 submitters: Uncertain significance (1); Likely benign (5). Last evaluated 2026-01-19.

Conditions:
Hereditary spastic paraplegia 11. Also called: Spastic Paraplegia 11; Spastic paraplegia, mental retardation and thin corpus callosum; Nakamura Osame syndrome; Autosomal recessive hereditary spastic paraplegia, mental impairment, and thin corpus callosum; SPASTIC PARAPLEGIA, AUTOSOMAL RECESSIVE, COMPLICATED, WITH THIN CORPUS CALLOSUM; SPASTIC PARAPLEGIA, AUTOSOMAL RECESSIVE, WITH MENTAL IMPAIRMENT AND THIN CORPUS CALLOSUM. Identifiers: Orphanet 2822, MedGen C1858479, MONDO:0011445, OMIM 604360.
Inborn genetic diseases. Identifiers: MedGen C0950123, MeSH D030342.
SPG11-related disorder. Also called: SPG11-related condition.

Allele frequency attached by ClinVar (database versions not stated): TOPMed 0.00003; gnomAD 0.00004; ExAC 0.00005; gnomAD exomes 0.00005 and 0.00007; ESP Exome Variant Server 0.00008.
gnomAD v4.1: 105 of 1,596,400 alleles (0.0066%); highest among the groups gnomAD compares: East Asian, 0.016%; 1 homozygote.

Submissions (6):

Labcorp Genetics (formerly Invitae), Labcorp
Classification: Likely benign for Hereditary spastic paraplegia 11. Last evaluated: 2026-01-19. Review status: criteria provided, single submitter. Criteria: Invitae Variant Classification Sherloc (09022015). Collection method: clinical testing. Allele origin: germline.

PreventionGenetics, part of Exact Sciences
Classification: Likely benign for SPG11-related condition. Last evaluated: 2024-12-26. Review status: criteria provided, single submitter. Criteria: ACMG Guidelines, 2015. Collection method: clinical testing. Allele origin: germline.
Comment: This variant is classified as likely benign based on ACMG/AMP sequence variant interpretation guidelines (Richards et al. 2015 PMID: 25741868, with internal and published modifications).

Blueprint Genetics
Classification: Likely benign. Last evaluated: 2024-11-08. Review status: criteria provided, single submitter. Criteria: ACMG Guidelines, 2015. Collection method: clinical testing. Allele origin: germline.

Athena Diagnostics
Classification: Likely benign. Last evaluated: 2020-11-03. Review status: criteria provided, single submitter. Criteria: Athena Diagnostics criteria. Collection method: clinical testing. Allele origin: unknown.

Ambry Genetics
Classification: Likely benign for Inborn genetic diseases. Last evaluated: 2019-07-11. Review status: criteria provided, single submitter. Criteria: Ambry Variant Classification Scheme 2023. Collection method: clinical testing. Allele origin: germline.

Illumina Laboratory Services, Illumina
Classification: Uncertain significance for Hereditary spastic paraplegia 11. Last evaluated: 2018-01-13. Review status: criteria provided, single submitter. Criteria: ICSL Variant Classification Criteria 13 December 2019. Collection method: clinical testing. Allele origin: germline.

NM_025137.4(SPG11):c.36C>T (p.Ser12=)

Gene: SPG11 (SPG11 vesicle trafficking associated, spatacsin; minus strand). Cytogenetic location: 15q21.1.
Variant type: single nucleotide variant.
Coding change: c.36C>T on transcript NM_025137.4 (MANE Select); coding-DNA position 36, C replaced by T.
Protein change: p.Ser12=; no amino-acid change (serine 12 retained).
Molecular consequence: synonymous variant.
Genome position (GRCh38, 1-based): chr15:44,663,612, G>A on the plus strand (C>T on the coding strand, the complement: SPG11 is on the minus strand). VCF-style: chr15-44663612-G-A. GRCh37 (hg19) VCF-style: chr15-44955810-G-A.
Other names: c.36C>T, p.Ser12= (NM_001160227.2).
Identifiers: ClinVar variation 534899 (VCV000534899.21), dbSNP rs368656047, ClinGen allele CA7535971.